The following is an entry in ClinVar:

ClinVar aggregate classification (germline): Uncertain significance (1 of 4 stars; one submission).

gnomAD v4.1: 1 of 1,614,042 alleles (0.000062%); highest among the groups gnomAD compares: Non-Finnish European, 0.000085%; no homozygotes.

Submission:

GeneDx
Classification: Uncertain significance. Last evaluated: 2023-05-15. Review status: criteria provided, single submitter. Criteria: GeneDx Variant Classification Process June 2021. Collection method: clinical testing. Allele origin: germline. Affected: yes.
Comment: Reported in the heterozygous state in a patient with protein C deficiency (Rovida et al., 2007); In silico analysis supports that this missense variant does not alter protein structure/function; Not observed at significant frequency in large population cohorts (gnomAD); This variant is associated with the following publications: (PMID: 17152060)

NM_000312.4(PROC):c.1075G>T (p.Val359Phe)

Gene: PROC (protein C, inactivator of coagulation factors Va and VIIIa; plus strand). Cytogenetic location: 2q14.3.
Variant type: single nucleotide variant.
Coding change: c.1075G>T on transcript NM_000312.4 (MANE Select); coding-DNA position 1075, G replaced by T.
Protein change: p.Val359Phe; replaces valine 359 with phenylalanine.
Molecular consequence: missense variant.
Genome position (GRCh38, 1-based): chr2:127,428,635, G>T. VCF-style: chr2-127428635-G-T. GRCh37 (hg19) VCF-style: chr2-128186211-G-T.
Other names: c.1258G>T, p.Val420Phe (NM_001375602.1); c.1240G>T, p.Val414Phe (NM_001375603.1); c.1138G>T, p.Val380Phe (NM_001375604.1); c.1177G>T, p.Val393Phe (NM_001375605.1); c.1243G>T, p.Val415Phe (NM_001375606.1); c.1261G>T, p.Val421Phe (NM_001375607.1); c.1018G>T, p.Val340Phe (NM_001375608.1); c.1051G>T, p.Val351Phe (NM_001375609.1); and 2 more; short protein forms V340F, V351F, V357F, V359F, V380F, V393F, V414F, V415F.
Identifiers: ClinVar variation 3340421 (VCV003340421.1).